The following is an entry in ClinVar:

ClinVar aggregate classification (germline): Uncertain significance (1 of 4 stars; one submission).

gnomAD v4.1: 2 of 1,614,058 alleles (0.00012%); highest among the groups gnomAD compares: Non-Finnish European, 0.00017%; no homozygotes.

Submission:

Dasa
Classification: Uncertain significance. Last evaluated: 2025-12-23. Review status: criteria provided, single submitter. Criteria: DASA Assertion Criteria. Collection method: clinical testing. Allele origin: germline.
Comment: NM_032444.4(SLX4):c.537G>A (p.Glu179=) is a synonymous variant predicted not to alter the encoded amino acid sequence. This variant is rare in population databases. Computational prediction algorithms are consistent with a benign effect. The currently available literature and clinical evidence are not sufficient to establish a definitive association between this variant and the reported condition. Therefore, this variant is classified as a variant of uncertain significance.

NM_032444.4(SLX4):c.537G>A (p.Glu179=)

Gene: SLX4 (SLX4 structure-specific endonuclease subunit; minus strand). Cytogenetic location: 16p13.3.
Variant type: single nucleotide variant.
Coding change: c.537G>A on transcript NM_032444.4 (MANE Select); coding-DNA position 537, G replaced by A.
Protein change: p.Glu179=; no amino-acid change (glutamic acid 179 retained).
Molecular consequence: synonymous variant.
Genome position (GRCh38, 1-based): chr16:3,606,697, C>T on the plus strand (G>A on the coding strand, the complement: SLX4 is on the minus strand). VCF-style: chr16-3606697-C-T. GRCh37 (hg19) VCF-style: chr16-3656698-C-T.
Identifiers: ClinVar variation 4883219 (VCV004883219.2).